The following is an entry in ClinVar:

NM_007294.4(BRCA1):c.5370T>G (p.Ser1790=)

Gene: BRCA1 (BRCA1 DNA repair associated; minus strand). Cytogenetic location: 17q21.31.
Variant type: single nucleotide variant.
Coding change: c.5370T>G on transcript NM_007294.4 (MANE Select); coding-DNA position 5370, T replaced by G.
Protein change: p.Ser1790=; no amino-acid change (serine 1790 retained).
Molecular consequence: synonymous variant. On other transcripts: intron variant (19).
Genome position (GRCh38, 1-based): chr17:43,049,157, A>C on the plus strand (T>G on the coding strand, the complement: BRCA1 is on the minus strand). VCF-style: chr17-43049157-A-C. GRCh37 (hg19) VCF-style: chr17-41201174-A-C.
Other names: c.5157T>G, p.Ser1719= (NM_001407571.1, NM_001407894.1, NM_001407895.1 and 12 more transcripts); c.5436T>G, p.Ser1812= (NM_001407581.1, NM_001407582.1); c.5433T>G, p.Ser1811= (NM_001407583.1, NM_001407585.1, NM_001407587.1 and 1 more transcripts); c.5430T>G, p.Ser1810= (NM_001407590.1, NM_001407591.1); c.5370T>G, p.Ser1790= (NM_001407593.1, NM_001407594.1, NM_001407596.1 and 5 more transcripts); c.5367T>G, p.Ser1789= (NM_001407610.1, NM_001407611.1, NM_001407612.1 and 14 more transcripts); c.5364T>G, p.Ser1788= (NM_001407627.1, NM_001407628.1, NM_001407629.1 and 13 more transcripts); c.5361T>G, p.Ser1787= (NM_001407644.1, NM_001407645.1); and 84 more.
Identifiers: ClinVar variation 865670 (VCV000865670.3), dbSNP rs2051083946, ClinGen allele CA500143299.

Conditions:
Breast-ovarian cancer, familial, susceptibility to, 1 (BROVCA1). Also called: BRCA1 Hereditary Breast and Ovarian Cancer; OVARIAN CANCER, SUSCEPTIBILITY TO. Identifiers: Orphanet 145, MedGen C2676676, MONDO:0011450, OMIM 604370. Disease mechanism: loss of function.

Submission:

Brotman Baty Institute, University of Washington
No classification provided (evidence only). Condition: Breast-ovarian cancer, familial 1. Review status: no classification provided. Collection method: in vitro. Allele origin: not applicable. Functional consequence: functionally_normal.
ClinVar note: "not provided" was previously submitted as the classification for the variant. However, the classification appeared to be based only on an observation of functional data so it was converted to no classification on 2025-07-30.